The following is an entry in ClinVar:

NM_004329.3(BMPR1A):c.991C>G (p.Leu331Val)

Gene: BMPR1A (bone morphogenetic protein receptor type 1A; plus strand). Cytogenetic location: 10q23.2.
Variant type: single nucleotide variant.
Coding change: c.991C>G on transcript NM_004329.3 (MANE Select); coding-DNA position 991, C replaced by G.
Protein change: p.Leu331Val; replaces leucine 331 with valine.
Molecular consequence: missense variant.
Genome position (GRCh38, 1-based): chr10:86,919,294, C>G. VCF-style: chr10-86919294-C-G. GRCh37 (hg19) VCF-style: chr10-88679051-C-G.
Other names: short protein forms L331V.
Identifiers: ClinVar variation 489703 (VCV000489703.8), dbSNP rs1554891064, ClinGen allele CA377460435.

ClinVar aggregate classification (germline): Uncertain significance. Review status: criteria provided, multiple submitters, no conflicts (2 of 4 stars). 2 submissions from 2 submitters: Uncertain significance (2). Last evaluated 2023-12-05.

Conditions:
Hereditary cancer-predisposing syndrome. Also called: Hereditary Cancer Syndrome; Neoplastic Syndromes, Hereditary; Tumor predisposition; Hereditary neoplastic syndrome. Identifiers: Orphanet 140162, MedGen C0027672, MeSH D009386, MONDO:0015356.

Allele frequency attached by ClinVar (database versions not stated): gnomAD exomes below 0.00001.
gnomAD v4.1: 2 of 1,613,994 alleles (0.00012%); highest among the groups gnomAD compares: Middle Eastern, 0.017%; no homozygotes.

Submissions (2):

Color Diagnostics, LLC DBA Color Health
Classification: Uncertain significance for Hereditary cancer-predisposing syndrome. Last evaluated: 2023-12-05. Review status: criteria provided, single submitter. Criteria: ACMG Guidelines, 2015. Collection method: clinical testing. Allele origin: germline.
Comment: This missense variant replaces leucine with valine at codon 331 of the BMPR1A protein. Computational prediction suggests that this variant may not impact protein structure and function (internally defined REVEL score threshold <= 0.5, PMID: 27666373). To our knowledge, functional studies have not been reported for this variant. This variant has not been reported in individuals affected with BMPR1A-related disorders in the literature. This variant has not been identified in the general population by the Genome Aggregation Database (gnomAD). The available evidence is insufficient to determine the role of this variant in disease conclusively. Therefore, this variant is classified as a Variant of Uncertain Significance.

Ambry Genetics
Classification: Uncertain significance for Hereditary cancer-predisposing syndrome. Last evaluated: 2021-02-09. Review status: criteria provided, single submitter. Criteria: Ambry Variant Classification Scheme 2023. Collection method: clinical testing. Allele origin: germline.
Comment: The p.L331V variant (also known as c.991C>G), located in coding exon 8 of the BMPR1A gene, results from a C to G substitution at nucleotide position 991. The leucine at codon 331 is replaced by valine, an amino acid with highly similar properties. This amino acid position is highly conserved in available vertebrate species. In addition, the in silico prediction for this alteration is inconclusive. Since supporting evidence is limited at this time, the clinical significance of this alteration remains unclear.